The following is an entry in ClinVar:

ClinVar aggregate classification (germline): Conflicting classifications of pathogenicity. Review status: criteria provided, conflicting classifications (1 of 4 stars). 3 submissions from 3 submitters: Uncertain significance (1); Benign (2). Last evaluated 2026-04-09.

Submissions (3):

Women's Health and Genetics/Laboratory Corporation of America, LabCorp
Classification: Benign. Last evaluated: 2026-04-09. Review status: criteria provided, single submitter. Criteria: LabCorp Variant Classification Summary - May 2015. Collection method: clinical testing. Allele origin: germline.
Comment: Variant summary: CFHR2 c.334_337delATTA (p.Ile112PhefsX18) results in a premature termination codon, predicted to cause a truncation of the encoded protein or absence of the protein due to nonsense mediated decay, however current evidence is not sufficient to establish loss of function as a mechanism for disease. The variant allele was found at a frequency of 0.0014 in 251246 control chromosomes, predominantly at a frequency of 0.018 within the East Asian subpopulation in the gnomAD database, including 4 homozygotes. The observed variant frequency within East Asian control individuals in the gnomAD database exceeds the estimated maximal expected allele frequency for disease-causing variants in CFHR2. c.334_337delATTA has been observed in individuals affected with/suspected of atypical hemolytic-uremic syndrome, without strong evidence for causality (e.g. Yun_2020, Connaughton_2023). These reports do not provide unequivocal conclusions about association of the variant with atypical hemolytic-uremic syndrome. To our knowledge, no experimental evidence demonstrating an impact on protein function has been reported. The following publications have been ascertained in the context of this evaluation (PMID: 37466676, 33213850). ClinVar contains an entry for this variant (Variation ID: 732212). Based on the evidence outlined above, the variant was classified as benign.

Mayo Clinic Laboratories, Mayo Clinic
Classification: Uncertain significance. Last evaluated: 2025-08-25. Review status: criteria provided, single submitter. Criteria: ACMG Guidelines, 2015. Collection method: clinical testing. Allele origin: germline. Observed: 8 variant alleles.
Comment: BS1, PVS1

Labcorp Genetics (formerly Invitae), Labcorp
Classification: Benign. Last evaluated: 2019-12-31. Review status: criteria provided, single submitter. Criteria: Invitae Variant Classification Sherloc (09022015). Collection method: clinical testing. Allele origin: germline.

Literature cited by the submitters: PubMed 37466676 (cited by Women's Health and Genetics/Laboratory Corporation of America, LabCorp and Mayo Clinic Laboratories, Mayo Clinic); PubMed 33213850 (cited by Women's Health and Genetics/Laboratory Corporation of America, LabCorp and Mayo Clinic Laboratories, Mayo Clinic).

NM_005666.4(CFHR2):c.334_337del (p.Ile112fs)

Gene: CFHR2 (complement factor H related 2; plus strand). Cytogenetic location: 1q31.3.
Variant type: Deletion.
Coding change: c.334_337del on transcript NM_005666.4 (MANE Select); coding-DNA positions 334 to 337, 4 bases deleted (ATTA; older notation c.334_337delATTA).
Protein change: p.Ile112fs; shifts the reading frame from isoleucine 112.
Molecular consequence: frameshift variant. On other transcripts: intron variant (1).
Genome position (GRCh38, 1-based): chr1:196,950,932-196,950,935, ATTA deleted; deleting any 4 consecutive bases within chr1:196,950,931-196,950,935 gives the same sequence; the c. name uses the placement nearest the transcript's 3' end. VCF-style (leftmost placement, unchanged base first): chr1-196950930-AAATT-A. GRCh37 (hg19) VCF-style: chr1-196920060-AAATT-A.
Other names: p.Ile112Phefs*18; c.334_337delATTA (NM_005666.4); c.59-6959_59-6956del (NM_001312672.1); short protein forms I112fs.
Identifiers: ClinVar variation 732212 (VCV000732212.6), dbSNP rs375905519, ClinGen allele CA1307405.